The following is an entry in ClinVar:

ClinVar aggregate classification (germline): Pathogenic (1 of 4 stars; one submission).

Allele frequency attached by ClinVar (database versions not stated): gnomAD exomes below 0.00001 and 0.00006.
gnomAD v4.1: 1 of 1,293,850 alleles (0.000077%); highest among the groups gnomAD compares: Non-Finnish European, 0.000098%; no homozygotes.

Submission:

Labcorp Genetics (formerly Invitae), Labcorp
Classification: Pathogenic. Last evaluated: 2022-03-30. Review status: criteria provided, single submitter. Criteria: Invitae Variant Classification Sherloc (09022015). Collection method: clinical testing. Allele origin: germline.
Comment: For these reasons, this variant has been classified as Pathogenic. This variant has not been reported in the literature in individuals affected with DEAF1-related conditions. The frequency data for this variant in the population databases is considered unreliable, as metrics indicate poor data quality at this position in the gnomAD database. This sequence change creates a premature translational stop signal (p.Glu36*) in the DEAF1 gene. It is expected to result in an absent or disrupted protein product. Loss-of-function variants in DEAF1 are known to be pathogenic (PMID: 30923367).

Literature cited by the submitters: PubMed 30923367.

NM_021008.4(DEAF1):c.106G>T (p.Glu36Ter)

Gene: DEAF1 (DEAF1 transcription factor; minus strand). Cytogenetic location: 11p15.5.
Variant type: single nucleotide variant.
Coding change: c.106G>T on transcript NM_021008.4 (MANE Select); coding-DNA position 106, G replaced by T.
Protein change: p.Glu36Ter; replaces glutamic acid 36 with a stop codon.
Molecular consequence: nonsense. On other transcripts: intron variant (1).
Genome position (GRCh38, 1-based): chr11:694,942, C>A on the plus strand (G>T on the coding strand, the complement: DEAF1 is on the minus strand). VCF-style: chr11-694942-C-A. GRCh37 (hg19) VCF-style: chr11-694942-C-A.
Other names: c.106G>T, p.Glu36Ter (NM_001293634.2); c.-437-3344G>T (NM_001367390.1); short protein forms E36*.
Identifiers: ClinVar variation 1450281 (VCV001450281.6), dbSNP rs1249918852, ClinGen allele CA378940092.
Genomic context (GRCh38, chr11:694,942, plus strand): 5'-CCTCCGAGTCTGCGTCCTCCTCCGAGTCCTCGTCCCTGCTCAGCACCGGCTCCTCCGCCT[C>A]GCCTCCTGCCGCGGCCGCGGCCGCCGCCGCCACAGCGGCCGCGGCCGCCACCGCCGCCGC-3'